The following is an entry in ClinVar:

NM_004415.4(DSP):c.6002T>G (p.Val2001Gly)

Gene: DSP (desmoplakin; plus strand). Cytogenetic location: 6p24.3.
Variant type: single nucleotide variant.
Coding change: c.6002T>G on transcript NM_004415.4 (MANE Select); coding-DNA position 6002, T replaced by G.
Protein change: p.Val2001Gly; replaces valine 2001 with glycine.
Molecular consequence: missense variant.
Genome position (GRCh38, 1-based): chr6:7,583,264, T>G. VCF-style: chr6-7583264-T-G. GRCh37 (hg19) VCF-style: chr6-7583497-T-G.
Other names: c.4205T>G, p.Val1402Gly (NM_001008844.3); c.4673T>G, p.Val1558Gly (NM_001319034.2); short protein forms V1402G, V2001G, V1558G.
Identifiers: ClinVar variation 1751032 (VCV001751032.2), dbSNP rs926676669, ClinGen allele CA362689883.

ClinVar aggregate classification (germline): Uncertain significance (1 of 4 stars; one submission).

Conditions:
Cardiovascular phenotype. Identifiers: MedGen CN230736.

Submission:

Ambry Genetics
Classification: Uncertain significance for Cardiovascular phenotype. Last evaluated: 2017-12-26. Review status: criteria provided, single submitter. Criteria: Ambry Variant Classification Scheme 2023. Collection method: clinical testing. Allele origin: germline.
Comment: The p.V2001G variant (also known as c.6002T>G), located in coding exon 24 of the DSP gene, results from a T to G substitution at nucleotide position 6002. The valine at codon 2001 is replaced by glycine, an amino acid with dissimilar properties. This amino acid position is well conserved in available vertebrate species. In addition, this alteration is predicted to be deleterious by in silico analysis. Since supporting evidence is limited at this time, the clinical significance of this alteration remains unclear.